The following is an entry in ClinVar:

NM_000875.5(IGF1R):c.3776_3779dup (p.Glu1261fs)

Gene: IGF1R (insulin like growth factor 1 receptor; plus strand). Cytogenetic location: 15q26.3.
Variant type: Microsatellite.
Coding change: c.3776_3779dup on transcript NM_000875.5 (MANE Select); coding-DNA positions 3776 to 3779, 4 bases duplicated (TCCT; older notation c.3776_3779dupTCCT).
Protein change: p.Glu1261fs; shifts the reading frame from glutamic acid 1261.
Molecular consequence: frameshift variant.
Genome position (GRCh38, 1-based): chr15:98,957,114-98,957,117, TCCT duplicated; duplicating any 4 consecutive bases within chr15:98,957,107-98,957,117 gives the same sequence; the c. name uses the placement nearest the transcript's 3' end. VCF-style (leftmost placement, unchanged base first): chr15-98957106-G-GCCTT. GRCh37 (hg19) VCF-style: chr15-99500335-G-GCCTT.
Other names: c.3773_3776dup, p.Glu1260fs (NM_001291858.2); short protein forms E1260fs, E1261fs.
Identifiers: ClinVar variation 1703348 (VCV001703348.2), dbSNP rs2506112857, ClinGen allele CA2580613344.

ClinVar aggregate classification (germline): Uncertain significance (1 of 4 stars; one submission).

Submission:

GeneDx
Classification: Uncertain significance. Last evaluated: 2022-02-17. Review status: criteria provided, single submitter. Criteria: GeneDx Variant Classification Process June 2021. Collection method: clinical testing. Allele origin: germline. Affected: yes.
Comment: Not observed at significant frequency in large population cohorts (gnomAD); Frameshift variant predicted to result in protein elongation as the last 107 amino acids are replaced with 113 different amino acids, although loss-of-function variants have not been reported downstream of this position in the protein; Has not been previously published as pathogenic or benign to our knowledge